The following is an entry in ClinVar:

NM_000459.5(TEK):c.86T>C (p.Ile29Thr)

Gene: TEK (TEK receptor tyrosine kinase; plus strand). Cytogenetic location: 9p21.2.
Variant type: single nucleotide variant.
Coding change: c.86T>C on transcript NM_000459.5 (MANE Select); coding-DNA position 86, T replaced by C.
Protein change: p.Ile29Thr; replaces isoleucine 29 with threonine.
Molecular consequence: missense variant. On other transcripts: intron variant (1).
Genome position (GRCh38, 1-based): chr9:27,157,864, T>C. VCF-style: chr9-27157864-T-C. GRCh37 (hg19) VCF-style: chr9-27157862-T-C.
Other names: c.86T>C, p.Ile29Thr (NM_001290077.2, NM_001375475.1, NM_001375476.1); c.53-10631T>C (NM_001290078.2); short protein forms I29T.
Identifiers: ClinVar variation 1383670 (VCV001383670.6), dbSNP rs2131119583, ClinGen allele CA373118251.
Genomic context (GRCh38, chr9:27,157,864, plus strand): 5'-TACATTATTGTCTCTCTTTCCTTTTAGGAACTGTGGAAGGTGCCATGGACTTGATCTTGA[T>C]CAATTCCCTACCTCTTGTATCTGATGCTGAAACATCTCTCACCTGCATTGCCTCTGGGTG-3'
Protein context (NP_000450.3, residues 19-39): TVEGAMDLIL[Ile29Thr]NSLPLVSDAE

ClinVar aggregate classification (germline): Uncertain significance (1 of 4 stars; one submission).

Submission:

Labcorp Genetics (formerly Invitae), Labcorp
Classification: Uncertain significance. Last evaluated: 2022-03-10. Review status: criteria provided, single submitter. Criteria: Invitae Variant Classification Sherloc (09022015). Collection method: clinical testing. Allele origin: germline.
Comment: In summary, the available evidence is currently insufficient to determine the role of this variant in disease. Therefore, it has been classified as a Variant of Uncertain Significance. Advanced modeling of protein sequence and biophysical properties (such as structural, functional, and spatial information, amino acid conservation, physicochemical variation, residue mobility, and thermodynamic stability) performed at Invitae indicates that this missense variant is not expected to disrupt TEK protein function. This variant has not been reported in the literature in individuals affected with TEK-related conditions. This variant is not present in population databases (gnomAD no frequency). This sequence change replaces isoleucine, which is neutral and non-polar, with threonine, which is neutral and polar, at codon 29 of the TEK protein (p.Ile29Thr).